The following is an entry in ClinVar:

ClinVar aggregate classification (germline): Uncertain significance. Review status: criteria provided, multiple submitters, no conflicts (2 of 4 stars). 5 submissions from 5 submitters: Uncertain significance (5). Last evaluated 2026-01-05.

Conditions:
ABCG8-related disorder. Also called: ABCG8-related condition.
Sitosterolemia 1. Identifiers: MedGen C2749759, MONDO:0020747, OMIM 210250.

Allele frequency attached by ClinVar (database versions not stated): TOPMed below 0.00001; gnomAD 0.00001; gnomAD exomes 0.00001 and 0.00002; ExAC 0.00002.
gnomAD v4.1: 14 of 1,613,890 alleles (0.00087%); highest among the groups gnomAD compares: Admixed American, 0.0033%; no homozygotes.

Submissions (5):

Labcorp Genetics (formerly Invitae), Labcorp
Classification: Uncertain significance. Last evaluated: 2026-01-05. Review status: criteria provided, single submitter. Criteria: Invitae Variant Classification Sherloc (09022015). Collection method: clinical testing. Allele origin: germline.
Comment: This sequence change replaces serine, which is neutral and polar, with arginine, which is basic and polar, at codon 581 of the ABCG8 protein (p.Ser581Arg). This variant is present in population databases (rs750730480, gnomAD 0.006%). This variant has not been reported in the literature in individuals affected with ABCG8-related conditions. ClinVar contains an entry for this variant (Variation ID: 899331). Invitae Evidence Modeling of protein sequence and biophysical properties (such as structural, functional, and spatial information, amino acid conservation, physicochemical variation, residue mobility, and thermodynamic stability) indicates that this missense variant is not expected to disrupt ABCG8 protein function with a negative predictive value of 80%. In summary, the available evidence is currently insufficient to determine the role of this variant in disease. Therefore, it has been classified as a Variant of Uncertain Significance.

PreventionGenetics, part of Exact Sciences
Classification: Uncertain significance for ABCG8-related condition. Last evaluated: 2025-12-23. Review status: criteria provided, single submitter. Criteria: ACMG Guidelines, 2015. Collection method: clinical testing. Allele origin: germline.
Comment: The ABCG8 c.1743C>A variant is predicted to result in the amino acid substitution p.Ser581Arg. To our knowledge, this variant has not been reported in the literature. This variant is reported in 0.0056% of alleles in individuals of Latino descent in gnomAD. At this time, the clinical significance of this variant is uncertain due to the absence of conclusive functional and genetic evidence.

Revvity Omics, Revvity
Classification: Uncertain significance for Sitosterolemia 1. Last evaluated: 2021-09-09. Review status: criteria provided, single submitter. Criteria: ACMG Guidelines, 2015. Collection method: clinical testing. Allele origin: germline.

Illumina Laboratory Services, Illumina
Classification: Uncertain significance for Sitosterolemia 1. Last evaluated: 2018-01-12. Review status: criteria provided, single submitter. Criteria: ICSL Variant Classification Criteria 13 December 2019. Collection method: clinical testing. Allele origin: germline.

Breakthrough Genomics
Classification: Uncertain significance. Review status: criteria provided, single submitter. Criteria: ACMG Guidelines, 2015. Collection method: not provided. Allele origin: germline. Inheritance: Autosomal recessive inheritance. Affected: yes.

NM_022437.3(ABCG8):c.1743C>A (p.Ser581Arg)

Gene: ABCG8 (ATP binding cassette subfamily G member 8; plus strand). Cytogenetic location: 2p21.
Variant type: single nucleotide variant.
Coding change: c.1743C>A on transcript NM_022437.3 (MANE Select); coding-DNA position 1743, C replaced by A.
Protein change: p.Ser581Arg; replaces serine 581 with arginine.
Molecular consequence: missense variant.
Genome position (GRCh38, 1-based): chr2:43,875,400, C>A. VCF-style: chr2-43875400-C-A. GRCh37 (hg19) VCF-style: chr2-44102539-C-A.
Other names: c.1740C>A, p.Ser580Arg (NM_001357321.2); short protein forms S581R, S580R.
Identifiers: ClinVar variation 899331 (VCV000899331.13), dbSNP rs750730480, ClinGen allele CA1637609.